The following is an entry in ClinVar:

NM_001018115.3(FANCD2):c.2816G>C (p.Gly939Ala)

Genes: FANCD2 (FA complementation group D2; plus strand), LOC107303338 (3p25 FANCD2 Alu-mediated recombination region; plus strand). Cytogenetic location: 3p25.3.
Variant type: single nucleotide variant.
Coding change: c.2816G>C on transcript NM_001018115.3 (MANE Select); coding-DNA position 2816, G replaced by C.
Protein change: p.Gly939Ala; replaces glycine 939 with alanine.
Molecular consequence: missense variant.
Genome position (GRCh38, 1-based): chr3:10,074,630, G>C. VCF-style: chr3-10074630-G-C. GRCh37 (hg19) VCF-style: chr3-10116314-G-C.
Other names: c.2816G>C, p.Gly939Ala (NM_001319984.2, NM_001374254.1, NM_033084.6); c.2705G>C, p.Gly902Ala (NM_001374253.1); short protein forms G939A, G902A.
Identifiers: ClinVar variation 2886807 (VCV002886807.3), dbSNP rs2469997269, ClinGen allele CA351744515.
Genomic context (GRCh38, chr3:10,074,630, plus strand): 5'-ATAATTCCCATGCTTTTTTCCGAGAGCTGGACATTGAGGTCTTCTCTATTCTACATTGTG[G>C]ACTTGTGACGAAGTTCATCTTAGATACTGAAATGCACACTGAAGTAAGTGACAGGCTAGG-3'
Protein context (NP_001018125.1, residues 929-949): DIEVFSILHC[Gly939Ala]LVTKFILDTE

ClinVar aggregate classification (germline): Uncertain significance (1 of 4 stars; one submission).

Conditions:
Fanconi anemia (FA). Also called: Fanconi's anemia. Identifiers: Orphanet 84, MedGen C0015625, MeSH D005199, MONDO:0019391.

Submission:

Labcorp Genetics (formerly Invitae), Labcorp
Classification: Uncertain significance for Fanconi anemia. Last evaluated: 2023-06-27. Review status: criteria provided, single submitter. Criteria: Invitae Variant Classification Sherloc (09022015). Collection method: clinical testing. Allele origin: germline.
Comment: This sequence change replaces glycine, which is neutral and non-polar, with alanine, which is neutral and non-polar, at codon 939 of the FANCD2 protein (p.Gly939Ala). This variant is not present in population databases (gnomAD no frequency). This variant has not been reported in the literature in individuals affected with FANCD2-related conditions. Advanced modeling of protein sequence and biophysical properties (such as structural, functional, and spatial information, amino acid conservation, physicochemical variation, residue mobility, and thermodynamic stability) performed at Invitae indicates that this missense variant is expected to disrupt FANCD2 protein function. In summary, the available evidence is currently insufficient to determine the role of this variant in disease. Therefore, it has been classified as a Variant of Uncertain Significance.